The following is an entry in ClinVar:

NM_001042492.3(NF1):c.2337T>C (p.Asp779=)

Gene: NF1 (neurofibromin 1; plus strand). Cytogenetic location: 17q11.2.
Variant type: single nucleotide variant.
Coding change: c.2337T>C on transcript NM_001042492.3 (MANE Select); coding-DNA position 2337, T replaced by C.
Protein change: p.Asp779=; no amino-acid change (aspartic acid 779 retained).
Molecular consequence: synonymous variant.
Genome position (GRCh38, 1-based): chr17:31,227,534, T>C. VCF-style: chr17-31227534-T-C. GRCh37 (hg19) VCF-style: chr17-29554552-T-C.
Other names: c.2337T>C, p.Asp779= (NM_000267.4).
Identifiers: ClinVar variation 5042142 (VCV005042142.1).

ClinVar aggregate classification (germline): Benign (1 of 4 stars; one submission).

Conditions:
Neurofibromatosis, type 1 (NF1). Also called: VON RECKLINGHAUSEN DISEASE; NEUROFIBROMATOSIS, TYPE I, SOMATIC; Peripheral type neurofibromatosis; Neurofibromatosis, type I. Identifiers: Orphanet 636, MedGen C0027831, MONDO:0018975, OMIM 162200. Disease mechanism: loss of function.

Submission:

Myriad Genetics, Inc.
Classification: Benign for Neurofibromatosis, type 1. Last evaluated: 2026-09-29. Review status: criteria provided, single submitter. Criteria: Myriad Autosomal Dominant, Autosomal Recessive and X-Linked Classification Criteria (2023). Collection method: clinical testing. Allele origin: unknown.
Comment: This variant is considered benign. This variant is a silent/synonymous amino acid change and it is not expected to impact splicing.